The following is an entry in ClinVar:

NM_004415.4(DSP):c.6014C>T (p.Ala2005Val)

Gene: DSP (desmoplakin; plus strand). Cytogenetic location: 6p24.3.
Variant type: single nucleotide variant.
Coding change: c.6014C>T on transcript NM_004415.4 (MANE Select); coding-DNA position 6014, C replaced by T.
Protein change: p.Ala2005Val; replaces alanine 2005 with valine.
Molecular consequence: missense variant.
Genome position (GRCh38, 1-based): chr6:7,583,276, C>T. VCF-style: chr6-7583276-C-T. GRCh37 (hg19) VCF-style: chr6-7583509-C-T.
Other names: c.4217C>T, p.Ala1406Val (NM_001008844.3); c.4685C>T, p.Ala1562Val (NM_001319034.2); short protein forms A1562V, A1406V, A2005V.
Identifiers: ClinVar variation 923518 (VCV000923518.11), dbSNP rs749925817, ClinGen allele CA046596.

ClinVar aggregate classification (germline): Conflicting classifications of pathogenicity. Review status: criteria provided, conflicting classifications (1 of 4 stars). 5 submissions from 5 submitters: Uncertain significance (4); Likely benign (1). Last evaluated 2026-04-14.

Conditions:
Arrhythmogenic cardiomyopathy with wooly hair and keratoderma. Also called: Arrhythmogenic cardiomyopathy with woolly hair and keratoderma; Carvajal syndrome; PALMOPLANTAR KERATODERMA WITH LEFT VENTRICULAR CARDIOMYOPATHY AND WOOLLY HAIR; Dilated cardiomyopathy with woolly hair and keratoderma. Identifiers: Orphanet 65282, MedGen C1854063, MONDO:0011581, OMIM 605676.
Arrhythmogenic right ventricular dysplasia 8 (ARVD8). Also called: ARRHYTHMOGENIC RIGHT VENTRICULAR DYSPLASIA, FAMILIAL, 8; Arrhythmogenic Right Ventricular Dysplasia/Cardiomyopathy 8; ARRHYTHMOGENIC RIGHT VENTRICULAR CARDIOMYOPATHY 8. Identifiers: MedGen C1843896, MONDO:0011831, OMIM 607450.
Cardiovascular phenotype. Identifiers: MedGen CN230736.
Cardiomyopathy (CMYO). Also called: Cardiomyopathies. Identifiers: Orphanet 167848, MedGen C0878544, MONDO:0004994, HP:0001638. Inheritance: Various modes of inheritance.

Allele frequency attached by ClinVar (database versions not stated): gnomAD exomes below 0.00001 and 0.00001; ExAC 0.00001; gnomAD 0.00001; TOPMed 0.00003.
gnomAD v4.1: 12 of 1,614,086 alleles (0.00074%); highest among the groups gnomAD compares: Admixed American, 0.0017%; no homozygotes.

Submissions (5):

GeneDx
Classification: Uncertain significance. Last evaluated: 2026-04-14. Review status: criteria provided, single submitter. Criteria: GeneDx Variant Classification Process June 2021. Collection method: clinical testing. Allele origin: germline.
Comment: Not observed at significant frequency in large population cohorts (gnomAD); In silico analysis suggests that this missense variant does not alter protein structure/function; This variant is associated with the following publications: (PMID: Komissarova2023[article])

Labcorp Genetics (formerly Invitae), Labcorp
Classification: Likely benign for Arrhythmogenic cardiomyopathy with wooly hair and keratoderma; Arrhythmogenic right ventricular dysplasia 8. Last evaluated: 2025-07-13. Review status: criteria provided, single submitter. Criteria: Invitae Variant Classification Sherloc (09022015). Collection method: clinical testing. Allele origin: germline.

Ambry Genetics
Classification: Uncertain significance for Cardiovascular phenotype. Last evaluated: 2025-03-10. Review status: criteria provided, single submitter. Criteria: Ambry Variant Classification Scheme 2023. Collection method: clinical testing. Allele origin: germline.
Comment: The p.A2005V variant (also known as c.6014C>T), located in coding exon 24 of the DSP gene, results from a C to T substitution at nucleotide position 6014. The alanine at codon 2005 is replaced by valine, an amino acid with similar properties. This amino acid position is conserved. In addition, this alteration is predicted to be tolerated by in silico analysis. Since supporting evidence is limited at this time, the clinical significance of this alteration remains unclear.

Color Diagnostics, LLC DBA Color Health
Classification: Uncertain significance for Cardiomyopathy. Last evaluated: 2024-03-06. Review status: criteria provided, single submitter. Criteria: ACMG Guidelines, 2015. Collection method: clinical testing. Allele origin: germline.
Comment: This missense variant replaces alanine with valine at codon 2005 of the DSP protein. Computational prediction suggests that this variant may not impact protein structure and function (internally defined REVEL score threshold <= 0.5, PMID: 27666373). To our knowledge, functional studies have not been reported for this variant. This variant has not been reported in individuals affected with DSP-related disorders in the literature. This variant has been identified in 2/282542 chromosomes in the general population by the Genome Aggregation Database (gnomAD). The available evidence is insufficient to determine the role of this variant in disease conclusively. Therefore, this variant is classified as a Variant of Uncertain Significance.

All of Us Research Program, National Institutes of Health
Classification: Uncertain significance for Arrhythmogenic cardiomyopathy with wooly hair and keratoderma. Last evaluated: 2023-07-10. Review status: criteria provided, single submitter. Criteria: ACMG Guidelines, 2015. Collection method: clinical testing. Allele origin: germline. Inheritance: Autosomal dominant inheritance. Observed: 2 variant alleles, 2 heterozygotes.
Comment: This missense variant replaces alanine with valine at codon 2005 of the DSP protein. Computational prediction suggests that this variant may not impact protein structure and function (internally defined REVEL score threshold <= 0.5, PMID: 27666373). To our knowledge, functional studies have not been reported for this variant. This variant has not been reported in individuals affected with DSP-related disorders in the literature. This variant has been identified in 2/282542 chromosomes in the general population by the Genome Aggregation Database (gnomAD). The available evidence is insufficient to determine the role of this variant in disease conclusively. Therefore, this variant is classified as a Variant of Uncertain Significance.

This study involves interpretation of variants in research participants for the purpose of population health screening. Participant phenotype was not available at the time of variant classification. Additional details can be found in publication PMID: 35346344, PMCID: PMC8962531